The following is an entry in ClinVar:

NM_000059.4(BRCA2):c.4271C>G (p.Ser1424Cys)

Gene: BRCA2 (BRCA2 DNA repair associated; plus strand). Cytogenetic location: 13q13.1.
Variant type: single nucleotide variant.
Coding change: c.4271C>G on transcript NM_000059.4 (MANE Select); coding-DNA position 4271, C replaced by G.
Protein change: p.Ser1424Cys; replaces serine 1424 with cysteine.
Molecular consequence: missense variant.
Genome position (GRCh38, 1-based): chr13:32,338,626, C>G. VCF-style: chr13-32338626-C-G. GRCh37 (hg19) VCF-style: chr13-32912763-C-G.
Other names: short protein forms S1424C.
Identifiers: ClinVar variation 51623 (VCV000051623.98), dbSNP rs80358664, ClinGen allele CA019877.

ClinVar aggregate classification (germline): Benign. Review status: reviewed by expert panel (3 of 4 stars). 15 submissions from 15 submitters: Benign (1). 14 of the submissions do not count toward it. Last evaluated 2019-06-18.

Conditions:
BRCA2-related disorder. Also called: BRCA2-related condition; BRCA2-related disorders. Identifiers: MedGen CN239275.
Breast and/or ovarian cancer. Identifiers: MedGen CN221562.
Hereditary cancer-predisposing syndrome. Also called: Hereditary Cancer Syndrome; Tumor predisposition; Neoplastic Syndromes, Hereditary; Hereditary neoplastic syndrome. Identifiers: Orphanet 140162, MedGen C0027672, MeSH D009386, MONDO:0015356.
Hereditary breast ovarian cancer syndrome. Also called: Breast and ovarian cancer; BRCA1- and BRCA2-Associated Hereditary Breast and Ovarian Cancer; Hereditary breast and ovarian cancer; Hereditary breast and ovarian cancer syndrome (HBOC); Hereditary breast and ovarian cancer syndrome; Hereditary breast and/or ovarian cancer syndrome. Identifiers: Orphanet 145, MedGen C0677776, MeSH D061325, MONDO:0003582. Disease mechanism: loss of function.
Breast-ovarian cancer, familial, susceptibility to, 2 (BROVCA2). Also called: BRCA2 Hereditary Breast and Ovarian Cancer. Identifiers: Orphanet 145, MedGen C2675520, MONDO:0012933, OMIM 612555. Disease mechanism: loss of function.

Allele frequency attached by ClinVar (database versions not stated): gnomAD 0.00001; gnomAD exomes 0.00001; TOPMed 0.00003.
gnomAD v4.1: 19 of 1,598,368 alleles (0.0012%); highest among the groups gnomAD compares: Non-Finnish European, 0.0015%; no homozygotes.

Submissions (15):

Evidence-based Network for the Interpretation of Germline Mutant Alleles (ENIGMA)
Classification: Benign for Breast-ovarian cancer, familial, susceptibility to, 2. Last evaluated: 2019-06-18. Review status: reviewed by expert panel. Criteria: ENIGMA BRCA1/2 Classification Criteria (2017-06-29). Collection method: curation. Allele origin: germline.
Comment: IARC class based on posterior probability from multifactorial likelihood analysis, thresholds for class as per Plon et al. 2008 (PMID: 18951446). Class 1 based on posterior probability = 0.000524

Women's Health and Genetics/Laboratory Corporation of America, LabCorp
Classification: Likely benign. Last evaluated: 2026-01-28. Review status: criteria provided, single submitter. Criteria: LabCorp Variant Classification Summary - May 2015. Collection method: clinical testing. Allele origin: germline. Not counted in ClinVar's aggregate classification.
Comment: Variant summary: BRCA2 c.4271C>G (p.Ser1424Cys) results in a non-conservative amino acid change located in the BRCA2 repeat (IPR002093) of the encoded protein sequence. Algorithms developed to predict the effect of missense changes on protein structure and function are either unavailable or do not agree on the potential impact of this missense change. The variant allele was found at a frequency of 8.2e-06 in 245096 control chromosomes. The available data on variant occurrences in the general population are insufficient to allow any conclusion about variant significance. c.4271C>G has been observed in in individuals affected with breast cancer or suspected of being at risk of hereditary breast and ovarian cancer syndrome, as well as unaffected controls (e.g. Spearman_2008, Caux-Moncoutier_2011, Hafty_2009, Wong-Brown_2015, Sadowski_2017, Meisel_2017, Dorling_2021). One report showed that the variant did not co-segregate completely in a family study (4 of 5 affected family members had the variant) and identified a co-occurring BRCA1 pathogenic mutation in the same family, although no additional information was provided (Santos_2014). These reports do not provide unequivocal conclusions about association of the variant with Hereditary Breast And Ovarian Cancer Syndrome. Co-occurrence with a pathogenic variant has been reported in the NHGRI BIC database (BRCA1 c.5266dupC, p.Gln1756ProfsX74), providing supporting evidence for a benign role. To our knowledge, no experimental evidence demonstrating an impact on protein function has been reported. The following publications have been ascertained in the context of this evaluation (PMID: 19471317, 33471991, 19491284, 26689913, 28324225, 31131967, 28807866, 24607278, 18824701, 25682074). ClinVar contains an entry for this variant (Variation ID: 51623). Based on the evidence outlined above, the variant was classified as likely benign.

Labcorp Genetics (formerly Invitae), Labcorp
Classification: Likely benign for Hereditary breast ovarian cancer syndrome. Last evaluated: 2026-01-07. Review status: criteria provided, single submitter. Criteria: Invitae Variant Classification Sherloc (09022015). Collection method: clinical testing. Allele origin: germline. Not counted in ClinVar's aggregate classification.

Color Diagnostics, LLC DBA Color Health
Classification: Likely benign for Hereditary cancer-predisposing syndrome. Last evaluated: 2025-12-09. Review status: criteria provided, single submitter. Criteria: ACMG Guidelines, 2015. Collection method: clinical testing. Allele origin: germline. Not counted in ClinVar's aggregate classification.

Quest Diagnostics Nichols Institute San Juan Capistrano
Classification: Uncertain significance. Last evaluated: 2025-08-01. Review status: criteria provided, single submitter. Criteria: Quest Diagnostics criteria. Collection method: clinical testing. Allele origin: unknown. Not counted in ClinVar's aggregate classification.
Comment: The BRCA2 c.4271C>G (p.Ser1424Cys) variant has been has been characterized as benign in a multifactorial likelihood study (PMID: 31131967 (2019)). In the published literature, the variant has been observed in individuals with a personal and/or family history of breast and/or ovarian cancer (PMID: 19491284 (2009), 24607278 (2014), 25682074 (2015), 33471991 (2021), see also LOVD), and reportedly unaffected individuals (PMID: 33471991 (2021), see also LOVD. The frequency of this variant in the general population (Genome Aggregation Database) is uninformative in the assessment of its pathogenicity. Analysis of this variant using bioinformatics tools for the prediction of the effect of amino acid changes on protein structure and function yielded predictions that this variant is benign. Based on the available information, we are unable to determine the clinical significance of this variant.

CeGaT Center for Human Genetics Tuebingen
Classification: Likely benign. Last evaluated: 2024-03-01. Review status: criteria provided, single submitter. Criteria: CeGaT Center For Human Genetics Tuebingen Variant Classification Criteria Version 2. Collection method: clinical testing. Allele origin: germline. Affected: yes. Observed: 1 variant allele. Not counted in ClinVar's aggregate classification.
Comment: BRCA2: BP1, BP4

All of Us Research Program, National Institutes of Health
Classification: Uncertain significance for Breast-ovarian cancer, familial, susceptibility to, 2. Last evaluated: 2024-02-05. Review status: criteria provided, single submitter. Criteria: ACMG Guidelines, 2015. Collection method: clinical testing. Allele origin: germline. Inheritance: Autosomal dominant inheritance. Observed: 1 variant allele, 1 heterozygote. Not counted in ClinVar's aggregate classification.
Comment: This missense variant replaces serine with cysteine at codon 1424 of the BRCA2 protein. Computational prediction suggests that this variant may not impact protein structure and function (internally defined REVEL score threshold <= 0.5, PMID: 27666373). To our knowledge, functional studies have not been reported for this variant. This variant has been reported in individuals and families affected with breast and/or ovarian cancer (PMID: 19491284, 21120943, 24607278, 25682074, 28324225). However, this variant was absent in an ovarian cancer affected member in one family (PMID: 24607278) and has been reported to have family history likelihood ratio for pathogenicity of 0.0201 from multiple carrier families (PMID: 31131967). A breast cancer case-control study also detected this variant in 2/60464 cases and 3/53458 unaffected individuals with OR=0.589 (95%CI 0.098 to 3.528) (PMID: 33471991; Leiden Open Variation Database DB-ID BRCA2_000116). This variant has been identified in 3/276480 chromosomes in the general population by the Genome Aggregation Database (gnomAD). The available evidence is insufficient to determine the role of this variant in disease conclusively. Therefore, this variant is classified as a Variant of Uncertain Significance.

This study involves interpretation of variants in research participants for the purpose of population health screening. Participant phenotype was not available at the time of variant classification. Additional details can be found in publication PMID: 35346344, PMCID: PMC8962531

Mayo Clinic Laboratories, Mayo Clinic
Classification: Uncertain significance. Last evaluated: 2022-10-13. Review status: criteria provided, single submitter. Criteria: ACMG Guidelines, 2015. Collection method: clinical testing. Allele origin: germline. Observed: 1 variant allele. Not counted in ClinVar's aggregate classification.
Comment: BP6, PM2

CHEO Genetics Diagnostic Laboratory, Children's Hospital of Eastern Ontario
Classification: Likely benign for Breast and/or ovarian cancer. Last evaluated: 2022-06-17. Review status: criteria provided, single submitter. Criteria: ACMG Guidelines, 2015. Collection method: clinical testing. Allele origin: germline. Not counted in ClinVar's aggregate classification.

Ambry Genetics
Classification: Likely benign for Hereditary cancer-predisposing syndrome. Last evaluated: 2021-12-29. Review status: criteria provided, single submitter. Criteria: Ambry Variant Classification Scheme 2023. Collection method: clinical testing. Allele origin: germline. Not counted in ClinVar's aggregate classification.

GeneDx
Classification: Likely benign. Last evaluated: 2021-06-10. Review status: criteria provided, single submitter. Criteria: GeneDx Variant Classification Process June 2021. Collection method: clinical testing. Allele origin: germline. Affected: yes. Not counted in ClinVar's aggregate classification.
Comment: This variant is associated with the following publications: (PMID: 19491284, 21120943, 24607278, 26689913, 18824701, 25682074, 28324225, 31131967, 27535533)

ARUP Laboratories, Molecular Genetics and Genomics, ARUP Laboratories
Classification: Likely benign. Last evaluated: 2017-07-23. Review status: criteria provided, single submitter. Criteria: ARUP Molecular Germline Variant Investigation Process. Collection method: clinical testing. Allele origin: germline. Not counted in ClinVar's aggregate classification.

Molecular Genetics Laboratory, University of Michigan
Classification: Uncertain significance for Breast-ovarian cancer, familial, susceptibility to, 2. Last evaluated: 2014-11-03. Review status: criteria provided, single submitter. Criteria: ACMG Guidelines, 2015. Collection method: clinical testing. Allele origin: germline. Affected: yes. Not counted in ClinVar's aggregate classification.

PreventionGenetics, part of Exact Sciences
Classification: Likely benign for BRCA2-related condition. Last evaluated: 2024-05-09. Review status: no assertion criteria provided. Collection method: clinical testing. Allele origin: germline. Not counted in ClinVar's aggregate classification.
Comment: This variant is classified as likely benign based on ACMG/AMP sequence variant interpretation guidelines (Richards et al. 2015 PMID: 25741868, with internal and published modifications).

Breast Cancer Information Core (BIC) (BRCA2)
Classification: Uncertain significance for Breast-ovarian cancer, familial 2. Last evaluated: 2004-02-20. Review status: no assertion criteria provided. Collection method: clinical testing. Allele origin: germline. Affected: yes. Observed: 3 variant alleles. Not counted in ClinVar's aggregate classification.

Literature cited by the submitters: PubMed 31131967 (cited by 6 submitters); PubMed 18824701 (cited by 3 submitters); PubMed 19471317 (cited by Women's Health and Genetics/Laboratory Corporation of America, LabCorp); PubMed 19491284 (cited by 4 submitters); PubMed 24607278 (cited by 5 submitters); PubMed 25682074 (cited by 4 submitters); PubMed 26689913 (cited by Women's Health and Genetics/Laboratory Corporation of America, LabCorp); PubMed 28324225 (cited by 3 submitters); PubMed 28807866 (cited by Women's Health and Genetics/Laboratory Corporation of America, LabCorp); PubMed 33471991 (cited by 3 submitters); PubMed 21120943 (cited by All of Us Research Program, National Institutes of Health and Mayo Clinic Laboratories, Mayo Clinic); PubMed 17924331 (cited by Ambry Genetics).